The following is an entry in ClinVar:

ClinVar aggregate classification (germline): Benign. Review status: criteria provided, multiple submitters, no conflicts (2 of 4 stars). 2 submissions from 2 submitters: Benign (2). Last evaluated 2018-01-12.

Conditions:
Mitochondrial DNA depletion syndrome, myopathic form (MTDPS2). Also called: MITOCHONDRIAL DNA DEPLETION SYNDROME 2 (MYOPATHIC TYPE); MITOCHONDRIAL DNA DEPLETION MYOPATHY, TK2-RELATED; TK2-Related Mitochondrial DNA Maintenance Defect, Myopathic Form. Identifiers: Orphanet 254875, MedGen C3149750, MONDO:0012301, OMIM 609560.

Allele frequency attached by ClinVar (database versions not stated): gnomAD 0.02431 and 0.02586; TOPMed 0.02705; 1000 Genomes Project 0.02935; 1000 Genomes Project 30x 0.03014.

Submissions (2):

Illumina Laboratory Services, Illumina
Classification: Benign for Mitochondrial DNA depletion syndrome, myopathic form. Last evaluated: 2018-01-12. Review status: criteria provided, single submitter. Criteria: ICSL Variant Classification Criteria 13 December 2019. Collection method: clinical testing. Allele origin: germline.
Comment: This variant was observed in the ICSL laboratory as part of a predisposition screen in an ostensibly healthy population. It had not been previously curated by ICSL or reported in the Human Gene Mutation Database (HGMD: prior to June 1st, 2018), and was therefore a candidate for classification through an automated scoring system. Utilizing variant allele frequency, disease prevalence and penetrance estimates, and inheritance mode, an automated score was calculated to assess if this variant is too frequent to cause the disease. Based on the score and internal cut-off values, a variant classified as benign is not then subjected to further curation. The score for this variant resulted in a classification of benign for this disease.

Breakthrough Genomics
Classification: Benign. Review status: criteria provided, single submitter. Criteria: ACMG Guidelines, 2015. Collection method: not provided. Allele origin: germline. Inheritance: Autosomal recessive inheritance. Affected: yes.

NM_004614.5(TK2):c.*2419C>T

Gene: TK2 (thymidine kinase 2; minus strand). Cytogenetic location: 16q21.
Variant type: single nucleotide variant.
Coding change: c.*2419C>T on transcript NM_004614.5 (MANE Select); 2419 bases downstream of the stop codon, C replaced by T.
Molecular consequence: 3 prime UTR variant. On other transcripts: non-coding transcript variant (1).
Genome position (GRCh38, 1-based): chr16:66,509,549, G>A on the plus strand (C>T on the coding strand, the complement: TK2 is on the minus strand). VCF-style: chr16-66509549-G-A. GRCh37 (hg19) VCF-style: chr16-66543452-G-A.
Other names: c.*2419C>T (NM_001172643.1, NM_001172644.2, NM_001172645.2 and 2 more transcripts); c.*2514C>T (NM_001271935.1).
Identifiers: ClinVar variation 320125 (VCV000320125.6), dbSNP rs74372298, ClinGen allele CA10647893.